The following is an entry in ClinVar:

NM_174936.4(PCSK9):c.566T>C (p.Ile189Thr)

Gene: PCSK9 (proprotein convertase subtilisin/kexin type 9; plus strand). Cytogenetic location: 1p32.3.
Variant type: single nucleotide variant.
Coding change: c.566T>C on transcript NM_174936.4 (MANE Select); coding-DNA position 566, T replaced by C.
Protein change: p.Ile189Thr; replaces isoleucine 189 with threonine.
Molecular consequence: missense variant. On other transcripts: non-coding transcript variant (8).
Genome position (GRCh38, 1-based): chr1:55,052,320, T>C. VCF-style: chr1-55052320-T-C. GRCh37 (hg19) VCF-style: chr1-55517993-T-C.
Other names: c.689T>C, p.Ile230Thr (NM_001407240.1); c.566T>C, p.Ile189Thr (NM_001407241.1, NM_001407242.1, NM_001407244.1 and 1 more transcripts); c.509T>C, p.Ile170Thr (NM_001407243.1); c.374T>C, p.Ile125Thr (NM_001407245.1); c.191T>C, p.Ile64Thr (NM_001407246.1); short protein forms I125T, I170T, I189T, I230T, I64T.
Identifiers: ClinVar variation 4756243 (VCV004756243.1).
Genomic context (GRCh38, chr1:55,052,320, plus strand): 5'-AAATGTCGCCTTGGAAAGACGGAGGCAGCCTGGTGGAGGTGTATCTCCTAGACACCAGCA[T>C]ACAGAGTGACCACCGGGAAATCGAGGGCAGGGTCATGGTCACCGACTTCGAGAATGTGCC-3'
Protein context (NP_777596.2, residues 179-199): LVEVYLLDTS[Ile189Thr]QSDHREIEGR

ClinVar aggregate classification (germline): Uncertain significance (1 of 4 stars; one submission).

Conditions:
Familial hypercholesterolemia. Also called: Familial hypercholesterolaemia. Identifiers: MedGen C0020445, MONDO:0005439.

Submission:

Color Diagnostics, LLC DBA Color Health
Classification: Uncertain significance for Familial hypercholesterolemia. Last evaluated: 2025-08-24. Review status: criteria provided, single submitter. Criteria: ACMG Guidelines, 2015. Collection method: clinical testing. Allele origin: germline.
Comment: This missense variant replaces isoleucine with threonine at codon 189 of the PCSK9 protein. Computational prediction suggests that this variant may have deleterious impact on protein structure and function. To our knowledge, functional studies have not been reported for this variant. This variant has not been reported in individuals affected with PCSK9-related disorders in the literature. This variant has not been identified in the general population by the Genome Aggregation Database (gnomAD). The available evidence is insufficient to determine the role of this variant in disease conclusively. Therefore, this variant is classified as a Variant of Uncertain Significance.